The following is an entry in ClinVar:

ClinVar aggregate classification (germline): Uncertain significance (1 of 4 stars; one submission).

Conditions:
Cardiovascular phenotype. Identifiers: MedGen CN230736.

gnomAD v4.1: 1 of 1,592,286 alleles (0.000063%); highest among the groups gnomAD compares: East Asian, 0.0022%; no homozygotes.

Submission:

Ambry Genetics
Classification: Uncertain significance for Cardiovascular phenotype. Last evaluated: 2024-10-10. Review status: criteria provided, single submitter. Criteria: Ambry Variant Classification Scheme 2023. Collection method: clinical testing. Allele origin: germline.
Comment: The c.143T>C (p.I48T) alteration is located in exon 2 (coding exon 2) of the SOS2 gene. This alteration results from a T to C substitution at nucleotide position 143, causing the isoleucine (I) at amino acid position 48 to be replaced by a threonine (T). This variant was not reported in population-based cohorts in the Genome Aggregation Database (gnomAD). This amino acid position is highly conserved in available vertebrate species. This alteration is predicted to be deleterious by in silico analysis. Based on insufficient or conflicting evidence, the clinical significance of this alteration remains unclear.

NM_006939.4(SOS2):c.143T>C (p.Ile48Thr)

Gene: SOS2 (SOS Ras/Rho guanine nucleotide exchange factor 2; minus strand). Cytogenetic location: 14q21.3.
Variant type: single nucleotide variant.
Coding change: c.143T>C on transcript NM_006939.4 (MANE Select); coding-DNA position 143, T replaced by C.
Protein change: p.Ile48Thr; replaces isoleucine 48 with threonine.
Molecular consequence: missense variant.
Genome position (GRCh38, 1-based): chr14:50,204,354, A>G on the plus strand (T>C on the coding strand, the complement: SOS2 is on the minus strand). VCF-style: chr14-50204354-A-G. GRCh37 (hg19) VCF-style: chr14-50671072-A-G.
Other names: c.143T>C, p.Ile48Thr (NM_001411020.1); short protein forms I48T.
Identifiers: ClinVar variation 3447388 (VCV003447388.1).
Genomic context (GRCh38, chr14:50,204,354, plus strand): 5'-TGAACAGTCCTTGGCTGGGCCATGCATAATTTATTAAGCAGCTGAAAAATCAGCTCTTCA[A>G]TATAATAGAGAGACTCTTCATTAGCTGAGAGAGTGGGATGCACTTGTTCCTGAACCTTTA-3'
Protein context (NP_008870.2, residues 38-58): LSANEESLYY[Ile48Thr]EELIFQLLNK